The following is an entry in ClinVar:

ClinVar aggregate classification (germline): Benign/Likely benign. Review status: criteria provided, multiple submitters, no conflicts (2 of 4 stars). 4 submissions from 4 submitters: Benign (1); Likely benign (3). Last evaluated 2026-04-01.

Allele frequency attached by ClinVar (database versions not stated): gnomAD exomes 0.00003; ExAC 0.00004; TOPMed 0.00006; gnomAD 0.00007.
gnomAD v4.1: 61 of 1,614,042 alleles (0.0038%); highest among the groups gnomAD compares: Middle Eastern, 0.033%; no homozygotes.

Submissions (4):

CeGaT Center for Human Genetics Tuebingen
Classification: Likely benign. Last evaluated: 2026-04-01. Review status: criteria provided, single submitter. Criteria: CeGaT Center For Human Genetics Tuebingen Variant Classification Criteria Version 2. Collection method: clinical testing. Allele origin: germline. Affected: yes. Observed: 2 variant alleles.
Comment: TUFM: BP4, BP7

Labcorp Genetics (formerly Invitae), Labcorp
Classification: Likely benign. Last evaluated: 2025-10-02. Review status: criteria provided, single submitter. Criteria: Invitae Variant Classification Sherloc (09022015). Collection method: clinical testing. Allele origin: germline.

Laboratory of Genetics, Children's Clinical University Hospital Latvia
Classification: Benign. Last evaluated: 2025-02-16. Review status: criteria provided, single submitter. Criteria: ACMG Guidelines, 2015. Collection method: clinical testing. Allele origin: germline. Affected: yes.

GeneDx
Classification: Likely benign. Last evaluated: 2017-05-15. Review status: criteria provided, single submitter. Criteria: GeneDx Variant Classification (06012015). Collection method: clinical testing. Allele origin: germline. Affected: yes.
Comment: This variant is considered likely benign or benign based on one or more of the following criteria: it is a conservative change, it occurs at a poorly conserved position in the protein, it is predicted to be benign by multiple in silico algorithms, and/or has population frequency not consistent with disease.

NM_003321.5(TUFM):c.963C>T (p.Ala321=)

Gene: TUFM (Tu translation elongation factor, mitochondrial; minus strand). Cytogenetic location: 16p11.2.
Variant type: single nucleotide variant.
Coding change: c.963C>T on transcript NM_003321.5 (MANE Select); coding-DNA position 963, C replaced by T.
Protein change: p.Ala321=; no amino-acid change (alanine 321 retained).
Molecular consequence: synonymous variant.
Genome position (GRCh38, 1-based): chr16:28,844,061, G>A on the plus strand (C>T on the coding strand, the complement: TUFM is on the minus strand). VCF-style: chr16-28844061-G-A. GRCh37 (hg19) VCF-style: chr16-28855382-G-A.
Other names: c.879C>T, p.Ala293= (NM_001365360.2).
Identifiers: ClinVar variation 516938 (VCV000516938.17), dbSNP rs781514693, ClinGen allele CA7985455.